The following is an entry in ClinVar:

ClinVar aggregate classification (germline): Uncertain significance (1 of 4 stars; one submission).

Conditions:
Hypoplastic left heart syndrome. Also called: Hypoplastic left ventricle; Hypoplastic left heart. Identifiers: Orphanet 2248, MedGen C0152101, MONDO:0004933, HP:0004383.

Allele frequency attached by ClinVar (database versions not stated): gnomAD exomes below 0.00001; TOPMed below 0.00001.

Submission:

Labcorp Genetics (formerly Invitae), Labcorp
Classification: Uncertain significance for Hypoplastic left heart syndrome. Last evaluated: 2025-07-22. Review status: criteria provided, single submitter. Criteria: Invitae Variant Classification Sherloc (09022015). Collection method: clinical testing. Allele origin: germline.
Comment: This sequence change replaces phenylalanine, which is neutral and non-polar, with leucine, which is neutral and non-polar, at codon 56 of the HAND1 protein (p.Phe56Leu). This variant is present in population databases (no rsID available, gnomAD 0.001%). This variant has not been reported in the literature in individuals affected with HAND1-related conditions. ClinVar contains an entry for this variant (Variation ID: 2876399). An algorithm developed to predict the effect of missense changes on protein structure and function (PolyPhen-2) suggests that this variant is likely to be tolerated. In summary, the available evidence is currently insufficient to determine the role of this variant in disease. Therefore, it has been classified as a Variant of Uncertain Significance.

NM_004821.3(HAND1):c.168C>G (p.Phe56Leu)

Gene: HAND1 (heart and neural crest derivatives expressed 1; minus strand). Cytogenetic location: 5q33.2.
Variant type: single nucleotide variant.
Coding change: c.168C>G on transcript NM_004821.3 (MANE Select); coding-DNA position 168, C replaced by G.
Protein change: p.Phe56Leu; replaces phenylalanine 56 with leucine.
Molecular consequence: missense variant.
Genome position (GRCh38, 1-based): chr5:154,477,841, G>C on the plus strand (C>G on the coding strand, the complement: HAND1 is on the minus strand). VCF-style: chr5-154477841-G-C. GRCh37 (hg19) VCF-style: chr5-153857401-G-C.
Other names: short protein forms F56L.
Identifiers: ClinVar variation 2876399 (VCV002876399.3), dbSNP rs1202928556, ClinGen allele CA361923330.